The following is an entry in ClinVar:

NM_001162383.2(ARHGEF2):c.340+1G>T

Gene: ARHGEF2 (Rho/Rac guanine nucleotide exchange factor 2; minus strand). Cytogenetic location: 1q22.
Variant type: single nucleotide variant.
Coding change: c.340+1G>T on transcript NM_001162383.2 (MANE Select); the canonical splice donor site of the intron after coding-DNA position 340, G replaced by T.
Molecular consequence: splice donor variant.
Genome position (GRCh38, 1-based): chr1:155,966,415, C>A on the plus strand (G>T on the coding strand, the complement: ARHGEF2 is on the minus strand). VCF-style: chr1-155966415-C-A. GRCh37 (hg19) VCF-style: chr1-155936206-C-A.
Other names: c.289+1G>T (NM_001350112.2); c.259+1G>T (NM_001350110.2, NM_004723.4, NM_001350111.2); c.340+1G>T (NM_001162384.2).
Identifiers: ClinVar variation 4687525 (VCV004687525.1).
Genomic context (GRCh38, chr1:155,966,415, plus strand): 5'-TGGGTTGAGCAGCCTGGGGTCCAGGGTCTTAGGGGACCTCCTCCACTCCCCAACTACTCA[C>A]TCTTACTTCGAAGAGAAACGGACTGCAAGGCGGTGTTGTTCTTCAGCAGGGCCGCTTTCT-3'

ClinVar aggregate classification (germline): Uncertain significance (1 of 4 stars; one submission).

Submission:

Women's Health and Genetics/Laboratory Corporation of America, LabCorp
Classification: Uncertain significance. Last evaluated: 2025-10-07. Review status: criteria provided, single submitter. Criteria: LabCorp Variant Classification Summary - May 2015. Collection method: clinical testing. Allele origin: germline.
Comment: Variant summary: ARHGEF2 c.259+1G>T is located in a canonical splice-site and is predicted to affect mRNA splicing resulting in a significantly altered protein due to either exon skipping, shortening, or inclusion of intronic material. Variants that disrupt the consensus splice site are a relatively common cause of aberrant splicing, however current evidence is not sufficient to establish loss of function as a mechanism for disease. Several computational tools predict a significant impact on normal splicing: Four predict the variant abolishes a 5' splicing donor site. However, these predictions have yet to be confirmed by functional studies. The variant was absent in 251468 control chromosomes. The available data on variant occurrences in the general population are insufficient to allow any conclusion about variant significance. To our knowledge, no occurrence of c.259+1G>T in individuals affected with ARHGEF2-related conditions and no experimental evidence demonstrating its impact on protein function have been reported. No submitters have cited clinical-significance assessments for this variant to ClinVar. Based on the evidence outlined above, the variant was classified as uncertain significance.